The following is an entry in ClinVar:

ClinVar aggregate classification (germline): Benign. Review status: criteria provided, multiple submitters, no conflicts (2 of 4 stars). 2 submissions from 2 submitters: Benign (2). Last evaluated 2018-01-13.

Conditions:
Fibrous dysplasia of jaw (CRBM). Also called: Cherubism. Identifiers: Orphanet 184, MedGen C0008029, MONDO:0007315, OMIM 118400.

Allele frequency attached by ClinVar (database versions not stated): 1000 Genomes Project 0.03594; 1000 Genomes Project 30x 0.03623; TOPMed 0.05384; gnomAD 0.05585 and 0.05608; gnomAD exomes 0.08065.
gnomAD v4.1: 8,506 of 151,608 alleles (5.6%); highest among the groups gnomAD compares: Middle Eastern, 14%; 356 homozygotes.

Submissions (2):

Illumina Laboratory Services, Illumina
Classification: Benign for Fibrous dysplasia of jaw. Last evaluated: 2018-01-13. Review status: criteria provided, single submitter. Criteria: ICSL Variant Classification Criteria 13 December 2019. Collection method: clinical testing. Allele origin: germline.
Comment: This variant was observed in the ICSL laboratory as part of a predisposition screen in an ostensibly healthy population. It had not been previously curated by ICSL or reported in the Human Gene Mutation Database (HGMD: prior to June 1st, 2018), and was therefore a candidate for classification through an automated scoring system. Utilizing variant allele frequency, disease prevalence and penetrance estimates, and inheritance mode, an automated score was calculated to assess if this variant is too frequent to cause the disease. Based on the score and internal cut-off values, a variant classified as benign is not then subjected to further curation. The score for this variant resulted in a classification of benign for this disease.

Breakthrough Genomics
Classification: Benign. Review status: criteria provided, single submitter. Criteria: ACMG Guidelines, 2015. Collection method: not provided. Allele origin: germline. Inheritance: Autosomal dominant inheritance. Affected: yes.

NM_001122681.2(SH3BP2):c.*6211C>T

Gene: SH3BP2 (SH3 domain binding protein 2; plus strand). Cytogenetic location: 4p16.3.
Variant type: single nucleotide variant.
Coding change: c.*6211C>T on transcript NM_001122681.2 (MANE Select); 6211 bases downstream of the stop codon, C replaced by T.
Molecular consequence: 3 prime UTR variant.
Genome position (GRCh38, 1-based): chr4:2,840,045, C>T. VCF-style: chr4-2840045-C-T. GRCh37 (hg19) VCF-style: chr4-2841772-C-T.
Other names: c.*6211C>T (LRG_1334t2, LRG_1334t1, NM_001145855.2 and 2 more transcripts).
Identifiers: ClinVar variation 348704 (VCV000348704.6), dbSNP rs61791177, ClinGen allele CA10617716.